The following is an entry in ClinVar:

ClinVar aggregate classification (germline): Conflicting classifications of pathogenicity. Review status: criteria provided, conflicting classifications (1 of 4 stars). 2 submissions from 2 submitters: Uncertain significance (1); Likely benign (1). Last evaluated 2026-05-19.

Conditions:
EGFR-related lung cancer (EGFR). Identifiers: MedGen CN130014.
Hereditary cancer-predisposing syndrome. Also called: Hereditary neoplastic syndrome; Neoplastic Syndromes, Hereditary; Tumor predisposition; Hereditary Cancer Syndrome. Identifiers: Orphanet 140162, MedGen C0027672, MeSH D009386, MONDO:0015356.

gnomAD v4.1: 1 of 1,614,190 alleles (0.000062%); highest among the groups gnomAD compares: Non-Finnish European, 0.000085%; no homozygotes.

Submissions (2):

Ambry Genetics
Classification: Likely benign for Hereditary cancer-predisposing syndrome. Last evaluated: 2026-05-19. Review status: criteria provided, single submitter. Criteria: Ambry Variant Classification Scheme 2023. Collection method: clinical testing. Allele origin: germline.

Labcorp Genetics (formerly Invitae), Labcorp
Classification: Uncertain significance for EGFR-related lung cancer. Last evaluated: 2025-02-18. Review status: criteria provided, single submitter. Criteria: Invitae Variant Classification Sherloc (09022015). Collection method: clinical testing. Allele origin: germline.
Comment: This sequence change replaces lysine, which is basic and polar, with glutamine, which is neutral and polar, at codon 593 of the EGFR protein (p.Lys593Gln). This variant is not present in population databases (gnomAD no frequency). This variant has not been reported in the literature in individuals affected with EGFR-related conditions. Invitae Evidence Modeling of protein sequence and biophysical properties (such as structural, functional, and spatial information, amino acid conservation, physicochemical variation, residue mobility, and thermodynamic stability) indicates that this missense variant is not expected to disrupt EGFR protein function with a negative predictive value of 80%. In summary, the available evidence is currently insufficient to determine the role of this variant in disease. Therefore, it has been classified as a Variant of Uncertain Significance.

NM_005228.5(EGFR):c.1777A>C (p.Lys593Gln)

Gene: EGFR (epidermal growth factor receptor; plus strand). Cytogenetic location: 7p11.2.
Variant type: single nucleotide variant.
Coding change: c.1777A>C on transcript NM_005228.5 (MANE Select); coding-DNA position 1777, A replaced by C.
Protein change: p.Lys593Gln; replaces lysine 593 with glutamine.
Molecular consequence: missense variant.
Genome position (GRCh38, 1-based): chr7:55,165,334, A>C. VCF-style: chr7-55165334-A-C. GRCh37 (hg19) VCF-style: chr7-55233027-A-C.
Other names: c.1642A>C, p.Lys548Gln (NM_001346897.2, NM_001346899.2); c.1777A>C, p.Lys593Gln (NM_001346898.2, NM_201282.2, NM_201284.2); c.1618A>C, p.Lys540Gln (NM_001346900.2); c.976A>C, p.Lys326Gln (NM_001346941.2); short protein forms K326Q, K540Q, K548Q, K593Q.
Identifiers: ClinVar variation 4805452 (VCV004805452.2).
Genomic context (GRCh38, chr7:55,165,334, plus strand): 5'-GTGCAGGGACCAGACAACTGTATCCAGTGTGCCCACTACATTGACGGCCCCCACTGCGTC[A>C]AGACCTGCCCGGCAGGAGTCATGGGAGAAAACAACACCCTGGTCTGGAAGTACGCAGACG-3'
Protein context (NP_005219.2, residues 583-603): AHYIDGPHCV[Lys593Gln]TCPAGVMGEN